The following is an entry in ClinVar:

ClinVar aggregate classification (germline): Uncertain significance (1 of 4 stars; one submission).

Allele frequency attached by ClinVar (database versions not stated): gnomAD exomes below 0.00001.
gnomAD v4.1: 2 of 1,614,026 alleles (0.00012%); highest among the groups gnomAD compares: Non-Finnish European, 0.00017%; no homozygotes.

Submission:

Labcorp Genetics (formerly Invitae), Labcorp
Classification: Uncertain significance. Last evaluated: 2022-03-01. Review status: criteria provided, single submitter. Criteria: Invitae Variant Classification Sherloc (09022015). Collection method: clinical testing. Allele origin: germline.
Comment: This sequence change replaces leucine, which is neutral and non-polar, with proline, which is neutral and non-polar, at codon 1238 of the CNGB1 protein (p.Leu1238Pro). This variant is not present in population databases (gnomAD no frequency). This variant has not been reported in the literature in individuals affected with CNGB1-related conditions. Advanced modeling of protein sequence and biophysical properties (such as structural, functional, and spatial information, amino acid conservation, physicochemical variation, residue mobility, and thermodynamic stability) performed at Invitae indicates that this missense variant is expected to disrupt CNGB1 protein function. In summary, the available evidence is currently insufficient to determine the role of this variant in disease. Therefore, it has been classified as a Variant of Uncertain Significance.

NM_001297.5(CNGB1):c.3713T>C (p.Leu1238Pro)

Gene: CNGB1 (cyclic nucleotide gated channel subunit beta 1; minus strand). Cytogenetic location: 16q21.
Variant type: single nucleotide variant.
Coding change: c.3713T>C on transcript NM_001297.5 (MANE Select); coding-DNA position 3713, T replaced by C.
Protein change: p.Leu1238Pro; replaces leucine 1238 with proline.
Molecular consequence: missense variant.
Genome position (GRCh38, 1-based): chr16:57,884,207, A>G on the plus strand (T>C on the coding strand, the complement: CNGB1 is on the minus strand). VCF-style: chr16-57884207-A-G. GRCh37 (hg19) VCF-style: chr16-57918111-A-G.
Other names: c.3695T>C, p.Leu1232Pro (NM_001286130.2); short protein forms L1238P, L1232P.
Identifiers: ClinVar variation 2105095 (VCV002105095.4), dbSNP rs2544599359, ClinGen allele CA396059206.